The following is an entry in ClinVar:

ClinVar aggregate classification (germline): Uncertain significance (1 of 4 stars; one submission).

Submission:

CeGaT Center for Human Genetics Tuebingen
Classification: Uncertain significance. Last evaluated: 2026-04-01. Review status: criteria provided, single submitter. Criteria: CeGaT Center For Human Genetics Tuebingen Variant Classification Criteria Version 2. Collection method: clinical testing. Allele origin: germline. Affected: yes. Observed: 1 variant allele.
Comment: DST: PM2, PP3

NM_001374736.1(DST):c.22382A>T (p.Asp7461Val)

Gene: DST (dystonin; minus strand). Cytogenetic location: 6p12.1.
Variant type: single nucleotide variant.
Coding change: c.22382A>T on transcript NM_001374736.1 (MANE Select); coding-DNA position 22382, A replaced by T.
Protein change: p.Asp7461Val; replaces aspartic acid 7461 with valine.
Molecular consequence: missense variant.
Genome position (GRCh38, 1-based): chr6:56,470,222, T>A on the plus strand (A>T on the coding strand, the complement: DST is on the minus strand). VCF-style: chr6-56470222-T-A. GRCh37 (hg19) VCF-style: chr6-56335020-T-A.
Other names: c.16025A>T, p.Asp5342Val (NM_001144769.5); c.15611A>T, p.Asp5204Val (NM_001144770.2); c.22382A>T, p.Asp7461Val (NM_001374722.1); c.21422A>T, p.Asp7141Val (NM_001374729.1); c.15164A>T, p.Asp5055Val (NM_001374730.1); c.22409A>T, p.Asp7470Val (NM_001374734.1); c.15491A>T, p.Asp5164Val (NM_001386100.1, NM_183380.4); c.14513A>T, p.Asp4838Val (NM_015548.5); short protein forms D4838V, D5055V, D5164V, D5204V, D5342V, D7141V, D7461V, D7470V.
Identifiers: ClinVar variation 4874774 (VCV004874774.2).